The following is an entry in ClinVar:

ClinVar aggregate classification (germline): Uncertain significance (1 of 4 stars; one submission).

Submission:

CeGaT Center for Human Genetics Tuebingen
Classification: Uncertain significance. Last evaluated: 2025-11-01. Review status: criteria provided, single submitter. Criteria: CeGaT Center For Human Genetics Tuebingen Variant Classification Criteria Version 2. Collection method: clinical testing. Allele origin: germline. Affected: yes. Observed: 2 variant alleles.
Comment: CHM: PM2, BP4

NM_000390.4(CHM):c.809G>A (p.Arg270Gln)

Gene: CHM (CHM Rab escort protein; minus strand). Cytogenetic location: Xq21.2.
Variant type: single nucleotide variant.
Coding change: c.809G>A on transcript NM_000390.4 (MANE Select); coding-DNA position 809, G replaced by A.
Protein change: p.Arg270Gln; replaces arginine 270 with glutamine.
Molecular consequence: missense variant.
Genome position (GRCh38, 1-based): chrX:85,958,871, C>T on the plus strand (G>A on the coding strand, the complement: CHM is on the minus strand). VCF-style: chrX-85958871-C-T. GRCh37 (hg19) VCF-style: chrX-85213876-C-T.
Other names: c.365G>A, p.Arg122Gln (NM_001320959.1, NM_001362517.1, NM_001362518.2 and 1 more transcripts); short protein forms R122Q, R270Q.
Identifiers: ClinVar variation 3341583 (VCV003341583.16).
Genomic context (GRCh38, chrX:85,958,871, plus strand): 5'-CATAATAACTTAAGCTGATGCCCAGTTACAATTCTTGATCAGCACAGTACCTGTTCCACT[C>T]GTCCTTCTCGAAATGCAAGAATCCTGGTAATATTTTTAAACTCTGCATATCGACTAACAT-3'
Protein context (NP_000381.1, residues 260-280): ITRILAFREG[Arg270Gln]VEQVPCSRAD